The following is an entry in ClinVar:

NM_004614.5(TK2):c.402G>T (p.Arg134Ser)

Gene: TK2 (thymidine kinase 2; minus strand). Cytogenetic location: 16q21.
Variant type: single nucleotide variant.
Coding change: c.402G>T on transcript NM_004614.5 (MANE Select); coding-DNA position 402, G replaced by T.
Protein change: p.Arg134Ser; replaces arginine 134 with serine.
Molecular consequence: missense variant. On other transcripts: non-coding transcript variant (1).
Genome position (GRCh38, 1-based): chr16:66,529,041, C>A on the plus strand (G>T on the coding strand, the complement: TK2 is on the minus strand). VCF-style: chr16-66529041-C-A. GRCh37 (hg19) VCF-style: chr16-66562944-C-A.
Other names: c.309G>T, p.Arg103Ser (NM_001172643.1, NM_001271935.1); c.327G>T, p.Arg109Ser (NM_001172644.2); c.348G>T, p.Arg116Ser (NM_001172645.2); c.255G>T, p.Arg85Ser (NM_001271934.2); c.111G>T, p.Arg37Ser (NM_001272050.2); short protein forms R116S, R85S, R103S, R134S, R109S, R37S.
Identifiers: ClinVar variation 2585339 (VCV002585339.1), dbSNP rs1965024310, ClinGen allele CA396189950.

ClinVar aggregate classification (germline): Likely pathogenic (1 of 4 stars; one submission).

Conditions:
Mitochondrial DNA depletion syndrome, myopathic form (MTDPS2). Also called: TK2-Related Mitochondrial DNA Maintenance Defect, Myopathic Form; MITOCHONDRIAL DNA DEPLETION SYNDROME 2 (MYOPATHIC TYPE); MITOCHONDRIAL DNA DEPLETION MYOPATHY, TK2-RELATED. Identifiers: Orphanet 254875, MedGen C3149750, MONDO:0012301, OMIM 609560.

Allele frequency attached by ClinVar (database versions not stated): gnomAD exomes below 0.00001.
gnomAD v4.1: 3 of 1,614,104 alleles (0.00019%); highest among the groups gnomAD compares: South Asian, 0.0011%; no homozygotes.

Submission:

Neuberg Centre For Genomic Medicine, NCGM
Classification: Likely pathogenic for Mitochondrial DNA depletion syndrome, myopathic form. Review status: criteria provided, single submitter. Criteria: ACMG Guidelines, 2015. Collection method: clinical testing. Allele origin: germline. Inheritance: Autosomal recessive inheritance. Affected: yes.
Comment: The missense variant p.R134S in TK2 (NM_004614.5) has not been reported previously as a pathogenic variant nor as a benign variant, to our knowledge. The p.R134S variant is novel (not in any individuals) in gnomAD Exomes and is novel (not in any individuals) in 1000 Genomes. There is a moderate physicochemical difference between arginine and serine. The p.R134S missense variant is predicted to be damaging by both SIFT and PolyPhen2. The arginine residue at codon 134 of TK2 is conserved in all mammalian species. The nucleotide c.402 in TK2 is predicted conserved by GERP++ and PhyloP across 100 vertebrates. Since the variant is present in trans with a Likely pathogenic variant, Therefore for these reasons the variant has been classified as Likely Pathogenic.